The following is an entry in ClinVar:

ClinVar aggregate classification (germline): Pathogenic (1 of 4 stars; one submission).

Conditions:
Gaucher disease. Also called: Acute cerebral Gaucher disease; Cerebroside lipidosis syndrome; Gaucher splenomegaly; Sphingolipidosis 1; Glucocerebrosidosis; Glucosylceramidase deficiency. Identifiers: Orphanet 355, MedGen C0017205, MONDO:0018150.

Submission:

Natera, Inc.
Classification: Pathogenic for Gaucher disease. Last evaluated: 2024-09-01. Review status: criteria provided, single submitter. Criteria: Natera Variant Classification Schema (03/2026). Collection method: clinical testing. Allele origin: germline.
Comment: The c.999+1G>A variant in GBA1 is a canonical splice donor site variant predicted to affect pre-mRNA splicing, which may result in an abnormal transcript and altered protein product. This variant is expected to result in nonsense mediated decay, truncation, or a dysfunctional protein product. This variant is rare in the general population with a frequency below the threshold expected for the associated phenotype(s). This variant has been observed in one or more individuals affected with the associated recessive disease, as either homozygous or compound heterozygous with a second variant (PMID: 34930372). Another variant at this same site results in an alteration predicted to cause a similar molecular effect has been observed in individual(s) with the associated phenotype. Given the available evidence, this variant is classified as Pathogenic.

Literature cited by the submitters: PubMed 34930372.

NM_000157.4(GBA1):c.999+1G>A

Genes: GBA1 (glucosylceramidase beta 1; minus strand), LOC106627981 (GBA recombination region; plus strand). Cytogenetic location: 1q22.
Variant type: single nucleotide variant.
Coding change: c.999+1G>A on transcript NM_000157.4 (MANE Select); the canonical splice donor site of the intron after coding-DNA position 999, G replaced by A.
Molecular consequence: splice donor variant.
Genome position (GRCh38, 1-based): chr1:155,237,340, C>T on the plus strand (G>A on the coding strand, the complement: GBA1 is on the minus strand). VCF-style: chr1-155237340-C-T. GRCh37 (hg19) VCF-style: chr1-155207131-C-T.
Other names: c.738+1G>A (NM_001171811.2); c.999+1G>A (NM_001005742.3, NM_001005741.3); c.852+1G>A (NM_001171812.2).
Identifiers: ClinVar variation 4817829 (VCV004817829.1).